The following is an entry in ClinVar:

NM_007055.4(POLR3A):c.3269A>G (p.Asp1090Gly)

Genes: POLR3A (RNA polymerase III subunit A; minus strand), LOC126860970 (BRD4-independent group 4 enhancer GRCh37_chr10:79743812-79745011; plus strand). Cytogenetic location: 10q22.3.
Variant type: single nucleotide variant.
Coding change: c.3269A>G on transcript NM_007055.4 (MANE Select); coding-DNA position 3269, A replaced by G.
Protein change: p.Asp1090Gly; replaces aspartic acid 1090 with glycine.
Molecular consequence: missense variant.
Genome position (GRCh38, 1-based): chr10:77,984,272, T>C on the plus strand (A>G on the coding strand, the complement: POLR3A is on the minus strand). VCF-style: chr10-77984272-T-C. GRCh37 (hg19) VCF-style: chr10-79744030-T-C.
Other names: short protein forms D1090G.
Identifiers: ClinVar variation 1428573 (VCV001428573.3), dbSNP rs780020944, ClinGen allele CA5570890.

ClinVar aggregate classification (germline): Uncertain significance (1 of 4 stars; one submission).

Allele frequency attached by ClinVar (database versions not stated): gnomAD exomes below 0.00001 and 0.00001; ExAC 0.00002.

Submission:

Labcorp Genetics (formerly Invitae), Labcorp
Classification: Uncertain significance. Last evaluated: 2022-08-09. Review status: criteria provided, single submitter. Criteria: Invitae Variant Classification Sherloc (09022015). Collection method: clinical testing. Allele origin: germline.
Comment: This sequence change replaces aspartic acid, which is acidic and polar, with glycine, which is neutral and non-polar, at codon 1090 of the POLR3A protein (p.Asp1090Gly). This variant is present in population databases (rs780020944, gnomAD 0.009%). This variant has not been reported in the literature in individuals affected with POLR3A-related conditions. ClinVar contains an entry for this variant (Variation ID: 1428573). Algorithms developed to predict the effect of missense changes on protein structure and function (SIFT, PolyPhen-2, Align-GVGD) all suggest that this variant is likely to be tolerated. In summary, the available evidence is currently insufficient to determine the role of this variant in disease. Therefore, it has been classified as a Variant of Uncertain Significance.